The following is an entry in ClinVar:

ClinVar aggregate classification (germline): Uncertain significance. Review status: criteria provided, multiple submitters, no conflicts (2 of 4 stars). 2 submissions from 2 submitters: Uncertain significance (2). Last evaluated 2023-12-11.

Conditions:
3-methylglutaconic aciduria with deafness, encephalopathy, and Leigh-like syndrome (MEGDEL). Also called: 3-METHYLGLUTACONIC ACIDURIA, TYPE VI; SERAC1 Deficiency; MEGDEL syndrome. Identifiers: Orphanet 352328, MedGen C4040739, MONDO:0013875, OMIM 614739.

Allele frequency attached by ClinVar (database versions not stated): ExAC 0.00001; gnomAD 0.00001; gnomAD exomes 0.00001; TOPMed 0.00004.
gnomAD v4.1: 23 of 1,613,446 alleles (0.0014%); highest among the groups gnomAD compares: South Asian, 0.0066%; no homozygotes.

Submissions (2):

GeneDx
Classification: Uncertain significance. Last evaluated: 2023-12-11. Review status: criteria provided, single submitter. Criteria: GeneDx Variant Classification Process June 2021. Collection method: clinical testing. Allele origin: germline. Affected: yes.
Comment: Not observed at significant frequency in large population cohorts (gnomAD); In silico analysis supports that this missense variant has a deleterious effect on protein structure/function; Has not been previously published as pathogenic or benign to our knowledge

Labcorp Genetics (formerly Invitae), Labcorp
Classification: Uncertain significance for 3-methylglutaconic aciduria with deafness, encephalopathy, and Leigh-like syndrome. Last evaluated: 2023-10-03. Review status: criteria provided, single submitter. Criteria: Invitae Variant Classification Sherloc (09022015). Collection method: clinical testing. Allele origin: germline.
Comment: This sequence change replaces isoleucine, which is neutral and non-polar, with threonine, which is neutral and polar, at codon 179 of the SERAC1 protein (p.Ile179Thr). This variant is present in population databases (rs749390027, gnomAD 0.003%). This variant has not been reported in the literature in individuals affected with SERAC1-related conditions. ClinVar contains an entry for this variant (Variation ID: 2164551). Advanced modeling of protein sequence and biophysical properties (such as structural, functional, and spatial information, amino acid conservation, physicochemical variation, residue mobility, and thermodynamic stability) performed at Invitae indicates that this missense variant is not expected to disrupt SERAC1 protein function. In summary, the available evidence is currently insufficient to determine the role of this variant in disease. Therefore, it has been classified as a Variant of Uncertain Significance.

NM_032861.4(SERAC1):c.536T>C (p.Ile179Thr)

Gene: SERAC1 (serine active site containing 1; minus strand). Cytogenetic location: 6q25.3.
Variant type: single nucleotide variant.
Coding change: c.536T>C on transcript NM_032861.4 (MANE Select); coding-DNA position 536, T replaced by C.
Protein change: p.Ile179Thr; replaces isoleucine 179 with threonine.
Molecular consequence: missense variant. On other transcripts: non-coding transcript variant (1).
Genome position (GRCh38, 1-based): chr6:158,144,372, A>G on the plus strand (T>C on the coding strand, the complement: SERAC1 is on the minus strand). VCF-style: chr6-158144372-A-G. GRCh37 (hg19) VCF-style: chr6-158565404-A-G.
Other names: c.536T>C (NM_032861.3); short protein forms I179T.
Identifiers: ClinVar variation 2164551 (VCV002164551.3), dbSNP rs749390027, ClinGen allele CA4071332.